The following is an entry in ClinVar:

NM_016343.4(CENPF):c.6687_6695delinsTTTAAATGA (p.Asp2230_Leu2232delinsLeuAsnGlu)

Gene: CENPF (centromere protein F; plus strand). Cytogenetic location: 1q41.
Variant type: Indel.
Coding change: c.6687_6695delinsTTTAAATGA on transcript NM_016343.4 (MANE Select); coding-DNA positions 6687 to 6695, AGACAAGTT replaced by TTTAAATGA.
Protein change: p.Asp2230_Leu2232delinsLeuAsnGlu.
Molecular consequence: missense variant.
Genome position (GRCh38, 1-based): chr1:214,646,257-214,646,265, AGACAAGTT replaced by TTTAAATGA. VCF-style: chr1-214646257-AGACAAGTT-TTTAAATGA. GRCh37 (hg19) VCF-style: chr1-214819600-AGACAAGTT-TTTAAATGA.
Identifiers: ClinVar variation 3764615 (VCV003764615.1).
Genomic context (GRCh38, chr1:214,646,257, plus strand): 5'-GTCTGAAAAAGAAAATCTGACAAAACAAATACAAGAAAAACAAGGTCAGTTGTCAGAACT[AGACAAGTT>TTTAAATGA]ACTCTCTTCATTTAAAAGTCTGTTAGAAGAAAAGGAGCAAGCAGAGATACAGATCAAAGA-3'

ClinVar aggregate classification (germline): Uncertain significance (1 of 4 stars; one submission).

Conditions:
Stromme syndrome (STROMS). Also called: APPLE PEEL SYNDROME WITH MICROCEPHALY AND OCULAR ANOMALIES; Strømme Syndrome; Ciliary dyskinesia, primary, 31. Identifiers: Orphanet 444069, Orphanet 506307, MedGen C1855705, MONDO:0009477, OMIM 243605.

Submission:

Daryl Scott Lab, Baylor College of Medicine
Classification: Uncertain significance for Stromme syndrome. Last evaluated: 2024-01-01. Review status: criteria provided, single submitter. Criteria: ACMG Guidelines, 2015. Collection method: clinical testing. Allele origin: biparental. Observed: 1 homozygote.
Comment: PM2